The following is an entry in ClinVar:

NM_014915.3(ANKRD26):c.945A>G (p.Gln315=)

Gene: ANKRD26 (ankyrin repeat domain 26; minus strand). Cytogenetic location: 10p12.1.
Variant type: single nucleotide variant.
Coding change: c.945A>G on transcript NM_014915.3 (MANE Select); coding-DNA position 945, A replaced by G.
Protein change: p.Gln315=; no amino-acid change (glutamine 315 retained).
Molecular consequence: synonymous variant.
Genome position (GRCh38, 1-based): chr10:27,077,470, T>C on the plus strand (A>G on the coding strand, the complement: ANKRD26 is on the minus strand). VCF-style: chr10-27077470-T-C. GRCh37 (hg19) VCF-style: chr10-27366399-T-C.
Other names: p.Gln315=; c.945A>G, p.Gln315= (NM_001256053.2).
Identifiers: ClinVar variation 1337753 (VCV001337753.13), dbSNP rs200199151, ClinGen allele CA5448728.

ClinVar aggregate classification (germline): Benign/Likely benign. Review status: criteria provided, multiple submitters, no conflicts (2 of 4 stars). 6 submissions from 6 submitters: Benign (1); Likely benign (4). 1 of the submissions does not count toward it. Last evaluated 2025-12-10.

Conditions:
ANKRD26-related disorder. Also called: ANKRD26-related condition.
Inborn genetic diseases. Identifiers: MedGen C0950123, MeSH D030342.

Allele frequency attached by ClinVar (database versions not stated): gnomAD exomes 0.00004 and 0.00014; ExAC 0.00017; 1000 Genomes Project 30x 0.00031; 1000 Genomes Project 0.00040; gnomAD 0.00050 and 0.00052; TOPMed 0.00060; ESP Exome Variant Server 0.00083.
gnomAD v4.1: 149 of 1,614,052 alleles (0.0092%); highest among the groups gnomAD compares: African/African-American, 0.17%; no homozygotes.

Submissions (6):

Labcorp Genetics (formerly Invitae), Labcorp
Classification: Benign. Last evaluated: 2025-12-10. Review status: criteria provided, single submitter. Criteria: Invitae Variant Classification Sherloc (09022015). Collection method: clinical testing. Allele origin: germline.

Mayo Clinic Laboratories, Mayo Clinic
Classification: Likely benign. Last evaluated: 2025-10-20. Review status: criteria provided, single submitter. Criteria: ACMG Guidelines, 2015. Collection method: clinical testing. Allele origin: germline. Observed: 1 variant allele.
Comment: BP4, BP7

Ambry Genetics
Classification: Likely benign for Inborn genetic diseases. Last evaluated: 2024-10-02. Review status: criteria provided, single submitter. Criteria: Ambry Variant Classification Scheme 2023. Collection method: clinical testing. Allele origin: germline.

Blueprint Genetics
Classification: Likely benign. Last evaluated: 2023-12-13. Review status: criteria provided, single submitter. Criteria: ACMG Guidelines, 2015. Collection method: clinical testing. Allele origin: germline.

Genetic Services Laboratory, University of Chicago
Classification: Likely benign. Last evaluated: 2020-10-01. Review status: criteria provided, single submitter. Criteria: ACMG Guidelines, 2015. Collection method: clinical testing. Allele origin: germline. Affected: no.

PreventionGenetics, part of Exact Sciences
Classification: Likely benign for ANKRD26-related condition. Last evaluated: 2019-09-17. Review status: no assertion criteria provided. Collection method: clinical testing. Allele origin: germline. Not counted in ClinVar's aggregate classification.
Comment: This variant is classified as likely benign based on ACMG/AMP sequence variant interpretation guidelines (Richards et al. 2015 PMID: 25741868, with internal and published modifications).